The following is an entry in ClinVar:

ClinVar aggregate classification (germline): Likely benign (1 of 4 stars; one submission).

gnomAD v4.1: 178 of 939,520 alleles (0.019%); highest among the groups gnomAD compares: Non-Finnish European, 0.023%; no homozygotes.

Submission:

CeGaT Center for Human Genetics Tuebingen
Classification: Likely benign. Last evaluated: 2025-12-01. Review status: criteria provided, single submitter. Criteria: CeGaT Center For Human Genetics Tuebingen Variant Classification Criteria Version 2. Collection method: clinical testing. Allele origin: germline. Affected: yes. Observed: 1 variant allele.
Comment: NACAD: BP4, BP7

NM_001146334.2(NACAD):c.2640C>T (p.Ser880=)

Gene: NACAD (NAC alpha domain containing; minus strand). Cytogenetic location: 7p13.
Variant type: single nucleotide variant.
Coding change: c.2640C>T on transcript NM_001146334.2 (MANE Select); coding-DNA position 2640, C replaced by T.
Protein change: p.Ser880=; no amino-acid change (serine 880 retained).
Molecular consequence: synonymous variant.
Genome position (GRCh38, 1-based): chr7:45,083,540, G>A on the plus strand (C>T on the coding strand, the complement: NACAD is on the minus strand). VCF-style: chr7-45083540-G-A. GRCh37 (hg19) VCF-style: chr7-45123139-G-A.
Identifiers: ClinVar variation 4681431 (VCV004681431.5).